The following is an entry in ClinVar:

ClinVar aggregate classification (germline): Uncertain significance (1 of 4 stars; one submission).

gnomAD v4.1: 5 of 1,538,716 alleles (0.00032%); highest among the groups gnomAD compares: Non-Finnish European, 0.00044%; no homozygotes.

Submission:

Ambry Genetics
Classification: Uncertain significance. Last evaluated: 2025-05-05. Review status: criteria provided, single submitter. Criteria: Ambry Variant Classification Scheme 2023. Collection method: clinical testing. Allele origin: germline.
Comment: The p.L143F variant (also known as c.427C>T), located in coding exon 4 of the RECQL gene, results from a C to T substitution at nucleotide position 427. The leucine at codon 143 is replaced by phenylalanine, an amino acid with highly similar properties. This amino acid position is conserved. In addition, this alteration is predicted to be deleterious by in silico analysis. Based on the available evidence, the clinical significance of this variant remains unclear.

NM_002907.4(RECQL):c.427C>T (p.Leu143Phe)

Gene: RECQL (RecQ like helicase; minus strand). Cytogenetic location: 12p12.1.
Variant type: single nucleotide variant.
Coding change: c.427C>T on transcript NM_002907.4 (MANE Select); coding-DNA position 427, C replaced by T.
Protein change: p.Leu143Phe; replaces leucine 143 with phenylalanine.
Molecular consequence: missense variant.
Genome position (GRCh38, 1-based): chr12:21,486,553, G>A on the plus strand (C>T on the coding strand, the complement: RECQL is on the minus strand). VCF-style: chr12-21486553-G-A. GRCh37 (hg19) VCF-style: chr12-21639487-G-A.
Other names: c.427C>T, p.Leu143Phe (NM_032941.3); short protein forms L143F.
Identifiers: ClinVar variation 3944215 (VCV003944215.1).